The following is an entry in ClinVar:

NM_175914.5(HNF4A):c.*1293C>T

Gene: HNF4A (hepatocyte nuclear factor 4 alpha; plus strand). Cytogenetic location: 20q13.12.
Variant type: single nucleotide variant.
Coding change: c.*1293C>T on transcript NM_175914.5 (MANE Select); 1293 bases downstream of the stop codon, C replaced by T.
Molecular consequence: 3 prime UTR variant.
Genome position (GRCh38, 1-based): chr20:44,430,958, C>T. VCF-style: chr20-44430958-C-T. GRCh37 (hg19) VCF-style: chr20-43059598-C-T.
Other names: c.*1293C>T (NM_000457.6, NM_001030003.3, NM_001258355.2 and 3 more transcripts).
Identifiers: ClinVar variation 897280 (VCV000897280.5), dbSNP rs182919150, ClinGen allele CA315421822.

ClinVar aggregate classification (germline): Conflicting classifications of pathogenicity. Review status: criteria provided, conflicting classifications (1 of 4 stars). 3 submissions from 2 submitters: Uncertain significance (2); Benign (1). Last evaluated 2018-01-15.

Conditions:
Maturity-onset diabetes of the young type 1. Also called: MODY type 1; Diabetes mellitus MODY type 1; MODY HNF4A related; MILD JUVENILE DIABETES MELLITUS; HNF4A-Related Maturity-Onset Diabetes of the Young Type 1; MODY, type I. Identifiers: Orphanet 552, MedGen C1852093, MONDO:0007452, OMIM 125850. Disease mechanism: loss of function.
Maturity-onset diabetes of the young (MODY). Also called: Maturity onset diabetes mellitus in young. Identifiers: Orphanet 552, MedGen C0342276, MONDO:0018911, HP:0004904.
Familial hyperinsulinism. Also called: Congenital hyperinsulinism. Identifiers: Orphanet 276525, MedGen C3888018, MONDO:0017182. Disease mechanism: loss of function.

Allele frequency attached by ClinVar (database versions not stated): gnomAD 0.00193 and 0.00201; TOPMed 0.00199; 1000 Genomes Project 0.00260.

Submissions (3):

Illumina Laboratory Services, Illumina
Classification: Uncertain significance for Familial hyperinsulinism. Last evaluated: 2018-01-15. Review status: criteria provided, single submitter. Criteria: ICSL Variant Classification Criteria 13 December 2019. Collection method: clinical testing. Allele origin: germline.

Illumina Laboratory Services, Illumina
Classification: Uncertain significance for Maturity-onset diabetes of the young type 1. Last evaluated: 2018-01-15. Review status: criteria provided, single submitter. Criteria: ICSL Variant Classification Criteria 13 December 2019. Collection method: clinical testing. Allele origin: germline.

Clinical Genomics, Uppaluri K&H Personalized Medicine Clinic
Classification: Benign for Maturity-onset diabetes of the young. Review status: criteria provided, single submitter. Criteria: K & H Uppaluri Personalized Medicine Clinic Variant Classification & Assertion Criteria_Updated V.1. Collection method: research. Allele origin: unknown. Inheritance: Autosomal dominant inheritance.
Comment: Potent mutations in HNF4A are associated with poor insulin secretion in response to hyperglycemia. Associated with MODY1. Patients initially respond well to sulfonylureas but eventually become insulin dependent. However, more evidence is required to ascertain the role of this particular variant rs182919150 in MODY, yet.

Literature cited by the submitters: DOI 10.1159/000334532 (cited by Clinical Genomics, Uppaluri K&H Personalized Medicine Clinic); PubMed 18268044 (cited by Clinical Genomics, Uppaluri K&H Personalized Medicine Clinic); PubMed 17563455 (cited by Clinical Genomics, Uppaluri K&H Personalized Medicine Clinic); PubMed 32583173 (cited by Clinical Genomics, Uppaluri K&H Personalized Medicine Clinic); PubMed 35052457 (cited by Clinical Genomics, Uppaluri K&H Personalized Medicine Clinic); PubMed 35118593 (cited by Clinical Genomics, Uppaluri K&H Personalized Medicine Clinic).